The following is an entry in ClinVar:

ClinVar aggregate classification (germline): Uncertain significance (1 of 4 stars; one submission).

Conditions:
Anauxetic dysplasia. Identifiers: Orphanet 93347, MedGen C1846796, MONDO:0011773.

Allele frequency attached by ClinVar (database versions not stated): gnomAD 0.00001; gnomAD exomes 0.00001; 1000 Genomes Project 30x 0.00047.

Submission:

Labcorp Genetics (formerly Invitae), Labcorp
Classification: Uncertain significance for Anauxetic dysplasia. Last evaluated: 2022-06-27. Review status: criteria provided, single submitter. Criteria: Invitae Variant Classification Sherloc (09022015). Collection method: clinical testing. Allele origin: germline.
Comment: This variant occurs in the RMRP gene, which encodes an RNA molecule that does not result in a protein product. This variant is present in population databases (no rsID available, gnomAD 0.004%). This variant has not been reported in the literature in individuals affected with RMRP-related conditions. Experimental studies and prediction algorithms are not available or were not evaluated, and the functional significance of this variant is currently unknown. In summary, the available evidence is currently insufficient to determine the role of this variant in disease. Therefore, it has been classified as a Variant of Uncertain Significance.

NC_000009.12:g.35657947_35657948insA

Gene: RMRP (RNA component of mitochondrial RNA processing endoribonuclease; minus strand). Cytogenetic location: 9p13.3.
Variant type: Insertion.
Genome position: GRCh38 VCF-style: chr9-35657947-T-TA. GRCh37 (hg19) VCF-style: chr9-35657944-T-TA.
Identifiers: ClinVar variation 1944563 (VCV001944563.2), dbSNP rs1563907365, ClinGen allele CA587570268.